The following is an entry in ClinVar:

ClinVar aggregate classification (germline): Conflicting classifications of pathogenicity. Review status: criteria provided, conflicting classifications (1 of 4 stars). 3 submissions from 3 submitters: Uncertain significance (2); Likely benign (1). Last evaluated 2025-12-21.

Conditions:
Charcot-Marie-Tooth disease. Also called: Charcot-Marie-Tooth Hereditary Neuropathy; Charcot-Marie-Tooth Neuropathy. Identifiers: Orphanet 166, MedGen C0007959, MONDO:0015626.
Charcot-Marie-Tooth disease type 2. Also called: Charcot-Marie-Tooth type 2. Identifiers: Orphanet 64746, MedGen C0270914, MONDO:0018993.

Allele frequency attached by ClinVar (database versions not stated): gnomAD exomes below 0.00001; ExAC 0.00001.
gnomAD v4.1: 1 of 1,599,758 alleles (0.000063%); highest among the groups gnomAD compares: Non-Finnish European, 0.000086%; no homozygotes.

Submissions (3):

Labcorp Genetics (formerly Invitae), Labcorp
Classification: Uncertain significance for Charcot-Marie-Tooth disease type 2. Last evaluated: 2025-12-21. Review status: criteria provided, single submitter. Criteria: Invitae Variant Classification Sherloc (09022015). Collection method: clinical testing. Allele origin: germline.
Comment: This sequence change affects codon 61 of the KIF1B mRNA. It is a 'silent' change, meaning that it does not change the encoded amino acid sequence of the KIF1B protein. It affects a nucleotide within the consensus splice site. This variant is present in population databases (rs756935623, gnomAD 0.0009%). This variant has been observed in individual(s) with Charcot-Marie-Tooth disease (PMID: 32376792). ClinVar contains an entry for this variant (Variation ID: 917109). Algorithms developed to predict the effect of sequence changes on RNA splicing suggest that this variant is not likely to affect RNA splicing. In summary, the available evidence is currently insufficient to determine the role of this variant in disease. Therefore, it has been classified as a Variant of Uncertain Significance.

Ambry Genetics
Classification: Likely benign. Last evaluated: 2023-01-20. Review status: criteria provided, single submitter. Criteria: Ambry Variant Classification Scheme 2023. Collection method: clinical testing. Allele origin: germline.

Molecular Genetics Laboratory, London Health Sciences Centre
Classification: Uncertain significance for Charcot-Marie-Tooth disease. Review status: criteria provided, single submitter. Criteria: ACMG Guidelines, 2015. Collection method: clinical testing. Allele origin: germline. Affected: yes.

Literature cited by the submitters: PubMed 32376792 (cited by Labcorp Genetics (formerly Invitae), Labcorp and Ambry Genetics).

NM_001365951.3(KIF1B):c.183A>G (p.Ser61=)

Gene: KIF1B (kinesin family member 1B; plus strand). Cytogenetic location: 1p36.22.
Variant type: single nucleotide variant.
Coding change: c.183A>G on transcript NM_001365951.3 (MANE Select); coding-DNA position 183, A replaced by G.
Protein change: p.Ser61=; no amino-acid change (serine 61 retained).
Molecular consequence: synonymous variant.
Genome position (GRCh38, 1-based): chr1:10,256,323, A>G. VCF-style: chr1-10256323-A-G. GRCh37 (hg19) VCF-style: chr1-10316381-A-G.
Other names: c.183A>G, p.Ser61= (NM_001365952.1, NM_001365953.1, NM_015074.3 and 1 more transcripts).
Identifiers: ClinVar variation 917109 (VCV000917109.6), dbSNP rs756935623, ClinGen allele CA580629.